The following is an entry in ClinVar:

NM_001430.5(EPAS1):c.1830T>A (p.Asp610Glu)

Gene: EPAS1 (endothelial PAS domain protein 1; plus strand). Cytogenetic location: 2p21.
Variant type: single nucleotide variant.
Coding change: c.1830T>A on transcript NM_001430.5 (MANE Select); coding-DNA position 1830, T replaced by A.
Protein change: p.Asp610Glu; replaces aspartic acid 610 with glutamic acid.
Molecular consequence: missense variant.
Genome position (GRCh38, 1-based): chr2:46,380,502, T>A. VCF-style: chr2-46380502-T-A. GRCh37 (hg19) VCF-style: chr2-46607641-T-A.
Other names: short protein forms D610E.
Identifiers: ClinVar variation 3275693 (VCV003275693.2).

ClinVar aggregate classification (germline): Uncertain significance. Review status: criteria provided, multiple submitters, no conflicts (2 of 4 stars). 2 submissions from 2 submitters: Uncertain significance (2). Last evaluated 2024-04-01.

Conditions:
Inborn genetic diseases. Identifiers: MedGen C0950123, MeSH D030342.

Submissions (2):

Ambry Genetics
Classification: Uncertain significance for Inborn genetic diseases. Last evaluated: 2024-04-01. Review status: criteria provided, single submitter. Criteria: Ambry Variant Classification Scheme 2023. Collection method: clinical testing. Allele origin: germline.
Comment: The p.D610E variant (also known as c.1830T>A), located in coding exon 12 of the EPAS1 gene, results from a T to A substitution at nucleotide position 1830. The aspartic acid at codon 610 is replaced by glutamic acid, an amino acid with highly similar properties. This amino acid position is conserved. In addition, this alteration is predicted to be tolerated by in silico analysis. Based on the available evidence, the clinical significance of this alteration remains unclear.

Blueprint Genetics
Classification: Uncertain significance. Last evaluated: 2018-05-28. Review status: criteria provided, single submitter. Criteria: ACMG Guidelines, 2015. Collection method: clinical testing. Allele origin: germline.